The following is an entry in ClinVar:

ClinVar aggregate classification (germline): Benign. Review status: criteria provided, multiple submitters, no conflicts (2 of 4 stars). 6 submissions from 6 submitters: Benign (4). 2 of the submissions do not count toward it. Last evaluated 2026-07-01.

Conditions:
Pyruvate dehydrogenase E2 deficiency (PDHDD). Also called: LACTIC ACIDEMIA DUE TO DEFECT OF E2 LIPOYL TRANSACETYLASE OF THE PYRUVATE DEHYDROGENASE COMPLEX; Dihydrolipoamide Acetyltransferase (E2) Deficiency. Identifiers: Orphanet 765, Orphanet 79244, MedGen C1855565, MONDO:0009502, OMIM 245348.

Allele frequency attached by ClinVar (database versions not stated): gnomAD exomes 0.00157; ExAC 0.00196; 1000 Genomes Project 0.00479; 1000 Genomes Project 30x 0.00500; gnomAD 0.00644 and 0.00703; TOPMed 0.00739; ESP Exome Variant Server 0.00746.

Submissions (6):

CeGaT Center for Human Genetics Tuebingen
Classification: Benign. Last evaluated: 2026-07-01. Review status: criteria provided, single submitter. Criteria: CeGaT Center For Human Genetics Tuebingen Variant Classification Criteria Version 2. Collection method: clinical testing. Allele origin: germline. Affected: yes. Observed: 3 variant alleles.
Comment: DLAT: BP4, BS1, BS2

Labcorp Genetics (formerly Invitae), Labcorp
Classification: Benign for Pyruvate dehydrogenase E2 deficiency. Last evaluated: 2026-01-27. Review status: criteria provided, single submitter. Criteria: Invitae Variant Classification Sherloc (09022015). Collection method: clinical testing. Allele origin: germline.

GeneDx
Classification: Benign. Last evaluated: 2013-08-07. Review status: criteria provided, single submitter. Criteria: GeneDx Variant Classification (06012015). Collection method: clinical testing. Allele origin: germline. Affected: yes.
Comment: This variant is considered likely benign or benign based on one or more of the following criteria: it is a conservative change, it occurs at a poorly conserved position in the protein, it is predicted to be benign by multiple in silico algorithms, and/or has population frequency not consistent with disease.

Breakthrough Genomics
Classification: Benign. Review status: criteria provided, single submitter. Criteria: ACMG Guidelines, 2015. Collection method: not provided. Allele origin: germline. Inheritance: Autosomal recessive inheritance. Affected: yes.

Clinical Genetics DNA and cytogenetics Diagnostics Lab, Erasmus MC, Erasmus Medical Center
Classification: Likely benign. Review status: no assertion criteria provided. Collection method: clinical testing. Allele origin: germline. Affected: yes. Study: VKGL Data-share Consensus. Not counted in ClinVar's aggregate classification.

Diagnostic Laboratory, Department of Genetics, University Medical Center Groningen
Classification: Likely benign. Review status: no assertion criteria provided. Collection method: clinical testing. Allele origin: germline. Affected: yes. Study: VKGL Data-share Consensus. Not counted in ClinVar's aggregate classification.

NM_001931.5(DLAT):c.928G>A (p.Glu310Lys)

Gene: DLAT (dihydrolipoamide S-acetyltransferase; plus strand). Cytogenetic location: 11q23.1.
Variant type: single nucleotide variant.
Coding change: c.928G>A on transcript NM_001931.5 (MANE Select); coding-DNA position 928, G replaced by A.
Protein change: p.Glu310Lys; replaces glutamic acid 310 with lysine.
Molecular consequence: missense variant. On other transcripts: intron variant (2).
Genome position (GRCh38, 1-based): chr11:112,037,413, G>A. VCF-style: chr11-112037413-G-A. GRCh37 (hg19) VCF-style: chr11-111908137-G-A.
Other names: p.E310K:GAA>AAA; c.928G>A, p.Glu310Lys (NM_001372031.1, NM_001372032.1, NM_001372033.1 and 1 more transcripts); c.895G>A, p.Glu299Lys (NM_001372034.1); c.802G>A, p.Glu268Lys (NM_001372036.1); c.760G>A, p.Glu254Lys (NM_001372037.1); c.649G>A, p.Glu217Lys (NM_001372038.1); c.547G>A, p.Glu183Lys (NM_001372040.1); c.466G>A, p.Glu156Lys (NM_001372042.1); and 1 more; short protein forms E310K, E254K, E183K, E217K, E268K, E156K, E299K.
Identifiers: ClinVar variation 137087 (VCV000137087.21), dbSNP rs116125936, ClinGen allele CA290594.